The following is an entry in ClinVar:

ClinVar aggregate classification (germline): Benign/Likely benign. Review status: criteria provided, multiple submitters, no conflicts (2 of 4 stars). 17 submissions from 16 submitters: Benign (9); Likely benign (4). 4 of the submissions do not count toward it. Last evaluated 2026-04-01.

Conditions:
Myofibrillar myopathy 6. Identifiers: Orphanet 199340, MedGen C2751831, MONDO:0013061, OMIM 612954.
Dilated cardiomyopathy 1HH (CMD1HH). Identifiers: Orphanet 154, MedGen C3151293, MONDO:0013479, OMIM 613881.

Allele frequency attached by ClinVar (database versions not stated): gnomAD 0.00341; 1000 Genomes Project 0.00379; TOPMed 0.00452; ESP Exome Variant Server 0.00469; 1000 Genomes Project 30x 0.00484.
gnomAD v4.1: 1,206 of 1,614,040 alleles (0.075%); highest among the groups gnomAD compares: African/African-American, 1.5%; 9 homozygotes.

Submissions (17):

CeGaT Center for Human Genetics Tuebingen
Classification: Likely benign. Last evaluated: 2026-04-01. Review status: criteria provided, single submitter. Criteria: CeGaT Center For Human Genetics Tuebingen Variant Classification Criteria Version 2. Collection method: clinical testing. Allele origin: germline. Affected: yes. Observed: 2 variant alleles.
Comment: BAG3: BP4, BP7, BS1

Labcorp Genetics (formerly Invitae), Labcorp
Classification: Benign for Dilated cardiomyopathy 1HH; Myofibrillar myopathy 6. Last evaluated: 2026-02-03. Review status: criteria provided, single submitter. Criteria: Invitae Variant Classification Sherloc (09022015). Collection method: clinical testing. Allele origin: germline.

Mayo Clinic Laboratories, Mayo Clinic
Classification: Benign. Last evaluated: 2025-04-09. Review status: criteria provided, single submitter. Criteria: ACMG Guidelines, 2015. Collection method: clinical testing. Allele origin: germline. Observed: 9 variant alleles.
Comment: BS1, BS2, BP4, BP7

Molecular Diagnostic Laboratory for Inherited Cardiovascular Disease, Montreal Heart Institute
Classification: Benign. Last evaluated: 2025-04-09. Review status: criteria provided, single submitter. Criteria: ACMG Guidelines, 2015. Collection method: clinical testing. Allele origin: germline. Affected: no.

ARUP Laboratories, Molecular Genetics and Genomics, ARUP Laboratories
Classification: Benign. Last evaluated: 2025-04-08. Review status: criteria provided, single submitter. Criteria: ARUP Molecular Germline Variant Investigation Process 2024. Collection method: clinical testing. Allele origin: germline.

Blueprint Genetics
Classification: Benign. Last evaluated: 2024-11-08. Review status: criteria provided, single submitter. Criteria: ACMG Guidelines, 2015. Collection method: clinical testing. Allele origin: germline.

Fulgent Genetics
Classification: Likely benign for Myofibrillar myopathy 6; Dilated cardiomyopathy 1HH. Last evaluated: 2022-03-15. Review status: criteria provided, single submitter. Criteria: ACMG Guidelines, 2015. Collection method: clinical testing. Allele origin: unknown.

Illumina Laboratory Services, Illumina
Classification: Benign for Myofibrillar myopathy 6. Last evaluated: 2018-01-13. Review status: criteria provided, single submitter. Criteria: ICSL Variant Classification Criteria 13 December 2019. Collection method: clinical testing. Allele origin: germline.
Comment: This variant was observed in the ICSL laboratory as part of a predisposition screen in an ostensibly healthy population. It had not been previously curated by ICSL or reported in the Human Gene Mutation Database (HGMD: prior to June 1st, 2018), and was therefore a candidate for classification through an automated scoring system. Utilizing variant allele frequency, disease prevalence and penetrance estimates, and inheritance mode, an automated score was calculated to assess if this variant is too frequent to cause the disease. Based on the score and internal cut-off values, a variant classified as benign is not then subjected to further curation. The score for this variant resulted in a classification of benign for this disease.

Illumina Laboratory Services, Illumina
Classification: Likely benign for Dilated cardiomyopathy 1HH. Last evaluated: 2018-01-13. Review status: criteria provided, single submitter. Criteria: ICSL Variant Classification Criteria 13 December 2019. Collection method: clinical testing. Allele origin: germline.
Comment: This variant was observed in the ICSL laboratory as part of a predisposition screen in an ostensibly healthy population. It had not been previously curated by ICSL or reported in the Human Gene Mutation Database (HGMD: prior to June 1st, 2018), and was therefore a candidate for classification through an automated scoring system. Utilizing variant allele frequency, disease prevalence and penetrance estimates, and inheritance mode, an automated score was calculated to assess if this variant is too frequent to cause the disease. Based on the score and internal cut-off values, a variant classified as likely benign is not then subjected to further curation. The score for this variant resulted in a classification of likely benign for this disease.

Women's Health and Genetics/Laboratory Corporation of America, LabCorp
Classification: Benign. Last evaluated: 2017-08-02. Review status: criteria provided, single submitter. Criteria: LabCorp Variant Classification Summary - May 2015. Collection method: clinical testing. Allele origin: germline.
Comment: Variant summary: The BAG3 c.606G>T (p.Pro202Pro) variant involves the alteration of a non-conserved nucleotide, resulting in a synonymous change. Mutation taster predicts damaging outcome for this variant. 4/5 splice prediction tools predict no significant impact on normal splicing. ESE finder predicts that this variant creates a new site for SRp40. However, these predictions have yet to be confirmed by functional studies. This variant was found in 152/119150 control chromosomes from ExAC, predominantly observed in the African subpopulation at a frequency of 0.014559 (143/9822). This frequency is about 373 times the estimated maximal expected allele frequency of a pathogenic BAG3 variant (0.0000391), suggesting this is likely a benign polymorphism found primarily in the populations of African origin. In addition, multiple clinical diagnostic laboratories in ClinVar have classified this variant as benign/likely benign. To our knowledge, this variant has not been reported in affected individuals via publications. Taken together, this variant is classified as benign.

GeneDx
Classification: Benign. Last evaluated: 2014-04-28. Review status: criteria provided, single submitter. Criteria: GeneDx Variant Classification (06012015). Collection method: clinical testing. Allele origin: germline. Affected: yes.
Comment: This variant is considered likely benign or benign based on one or more of the following criteria: it is a conservative change, it occurs at a poorly conserved position in the protein, it is predicted to be benign by multiple in silico algorithms, and/or has population frequency not consistent with disease.

Laboratory for Molecular Medicine, Mass General Brigham Personalized Medicine
Classification: Benign. Last evaluated: 2012-03-19. Review status: criteria provided, single submitter. Criteria: LMM Criteria. Collection method: clinical testing. Allele origin: germline. Observed: 9 variant alleles.
Comment: p.Pro202Pro in Exon 03 of BAG3: This variant is not expected to have clinical si gnificance because it does not alter an amino acid residue, is not located withi n the splice consensus sequence and has been identified in 1.3% (48/3738) of Afr ican American chromosomes from a broad population by the NHLBI Exome Sequencing Project (dbSNP rs74157690).

Breakthrough Genomics
Classification: Likely benign. Review status: criteria provided, single submitter. Criteria: ACMG Guidelines, 2015. Collection method: not provided. Allele origin: germline. Inheritance: Autosomal dominant inheritance. Affected: yes.

Clinical Genetics DNA and cytogenetics Diagnostics Lab, Erasmus MC, Erasmus Medical Center
Classification: Benign. Review status: no assertion criteria provided. Collection method: clinical testing. Allele origin: germline. Affected: yes. Study: VKGL Data-share Consensus. Not counted in ClinVar's aggregate classification.

Clinical Genetics, Academic Medical Center
Classification: Benign. Review status: no assertion criteria provided. Collection method: clinical testing. Allele origin: germline. Affected: yes. Study: VKGL Data-share Consensus. Not counted in ClinVar's aggregate classification.

Genome Diagnostics Laboratory, University Medical Center Utrecht
Classification: Benign. Review status: no assertion criteria provided. Collection method: clinical testing. Allele origin: germline. Affected: yes. Study: VKGL Data-share Consensus. Not counted in ClinVar's aggregate classification.

Joint Genome Diagnostic Labs from Nijmegen and Maastricht, Radboudumc and MUMC+
Classification: Benign. Review status: no assertion criteria provided. Collection method: clinical testing. Allele origin: germline. Affected: yes. Study: VKGL Data-share Consensus. Not counted in ClinVar's aggregate classification.

NM_004281.4(BAG3):c.606G>T (p.Pro202=)

Gene: BAG3 (BAG cochaperone 3; plus strand). Cytogenetic location: 10q26.11.
Variant type: single nucleotide variant.
Coding change: c.606G>T on transcript NM_004281.4 (MANE Select); coding-DNA position 606, G replaced by T.
Protein change: p.Pro202=; no amino-acid change (proline 202 retained).
Molecular consequence: synonymous variant.
Genome position (GRCh38, 1-based): chr10:119,672,353, G>T. VCF-style: chr10-119672353-G-T. GRCh37 (hg19) VCF-style: chr10-121431865-G-T.
Other names: p.P202P:CCG>CCT; p.Pro202=.
Identifiers: ClinVar variation 44786 (VCV000044786.58), dbSNP rs74157690, ClinGen allele CA282473.